The following is an entry in ClinVar:

ClinVar aggregate classification (germline): Uncertain significance (1 of 4 stars; one submission).

Allele frequency attached by ClinVar (database versions not stated): ExAC 0.00001; gnomAD exomes 0.00001 and 0.00002.
gnomAD v4.1: 17 of 1,613,762 alleles (0.0011%); highest among the groups gnomAD compares: South Asian, 0.019%; no homozygotes.

Submission:

Labcorp Genetics (formerly Invitae), Labcorp
Classification: Uncertain significance. Last evaluated: 2025-08-18. Review status: criteria provided, single submitter. Criteria: Invitae Variant Classification Sherloc (09022015). Collection method: clinical testing. Allele origin: germline.
Comment: This sequence change replaces proline, which is neutral and non-polar, with threonine, which is neutral and polar, at codon 16 of the GABRB1 protein (p.Pro16Thr). This variant is present in population databases (rs781754818, gnomAD 0.02%). This variant has not been reported in the literature in individuals affected with GABRB1-related conditions. ClinVar contains an entry for this variant (Variation ID: 1375956). Invitae Evidence Modeling of protein sequence and biophysical properties (such as structural, functional, and spatial information, amino acid conservation, physicochemical variation, residue mobility, and thermodynamic stability) indicates that this missense variant is expected to disrupt GABRB1 protein function with a positive predictive value of 95%. In summary, the available evidence is currently insufficient to determine the role of this variant in disease. Therefore, it has been classified as a Variant of Uncertain Significance.

NM_000812.4(GABRB1):c.46C>A (p.Pro16Thr)

Gene: GABRB1 (gamma-aminobutyric acid type A receptor subunit beta1; plus strand). Cytogenetic location: 4p12.
Variant type: single nucleotide variant.
Coding change: c.46C>A on transcript NM_000812.4 (MANE Select); coding-DNA position 46, C replaced by A.
Protein change: p.Pro16Thr; replaces proline 16 with threonine.
Molecular consequence: missense variant.
Genome position (GRCh38, 1-based): chr4:47,031,697, C>A. VCF-style: chr4-47031697-C-A. GRCh37 (hg19) VCF-style: chr4-47033714-C-A.
Other names: short protein forms P16T.
Identifiers: ClinVar variation 1375956 (VCV001375956.8), dbSNP rs781754818, ClinGen allele CA2907388.